The following is an entry in ClinVar:

ClinVar aggregate classification (germline): Uncertain significance. Review status: criteria provided, multiple submitters, no conflicts (2 of 4 stars). 2 submissions from 2 submitters: Uncertain significance (2). Last evaluated 2026-03-25.

Conditions:
PRKAR1A-related disorder. Also called: PRKAR1A-related condition.
Hereditary cancer-predisposing syndrome. Also called: Hereditary Cancer Syndrome; Hereditary neoplastic syndrome; Neoplastic Syndromes, Hereditary; Tumor predisposition. Identifiers: Orphanet 140162, MedGen C0027672, MeSH D009386, MONDO:0015356.

Submissions (2):

PreventionGenetics, part of Exact Sciences
Classification: Uncertain significance for PRKAR1A-related condition. Last evaluated: 2026-03-25. Review status: criteria provided, single submitter. Criteria: ACMG Guidelines, 2015. Collection method: clinical testing. Allele origin: germline.
Comment: The PRKAR1A c.89T>A variant is predicted to result in the amino acid substitution p.Leu30Gln. To our knowledge, this variant has not been reported in the literature or in a large population database (gnomAD), indicating this variant is rare. At this time, the clinical significance of this variant is uncertain due to the absence of conclusive functional and genetic evidence.

Ambry Genetics
Classification: Uncertain significance for Hereditary cancer-predisposing syndrome. Last evaluated: 2025-08-05. Review status: criteria provided, single submitter. Criteria: Ambry Variant Classification Scheme 2023. Collection method: clinical testing. Allele origin: germline.
Comment: The p.L30Q variant (also known as c.89T>A), located in coding exon 1 of the PRKAR1A gene, results from a T to A substitution at nucleotide position 89. The leucine at codon 30 is replaced by glutamine, an amino acid with dissimilar properties. This amino acid position is well conserved in available vertebrate species. In addition, the in silico prediction for this alteration is inconclusive. Based on the available evidence, the clinical significance of this variant remains unclear.

NM_002734.5(PRKAR1A):c.89T>A (p.Leu30Gln)

Gene: PRKAR1A (protein kinase cAMP-dependent type I regulatory subunit alpha; plus strand). Cytogenetic location: 17q24.2.
Variant type: single nucleotide variant.
Coding change: c.89T>A on transcript NM_002734.5 (MANE Select); coding-DNA position 89, T replaced by A.
Protein change: p.Leu30Gln; replaces leucine 30 with glutamine.
Molecular consequence: missense variant.
Genome position (GRCh38, 1-based): chr17:68,515,488, T>A. VCF-style: chr17-68515488-T-A. GRCh37 (hg19) VCF-style: chr17-66511629-T-A.
Other names: c.89T>A, p.Leu30Gln (NM_001276289.2, NM_001276290.1, NM_001278433.2 and 4 more transcripts); short protein forms L30Q.
Identifiers: ClinVar variation 4144364 (VCV004144364.2).